The following is an entry in ClinVar:

ClinVar aggregate classification (germline): Pathogenic (1 of 4 stars; one submission).

Submission:

Labcorp Genetics (formerly Invitae), Labcorp
Classification: Pathogenic. Last evaluated: 2022-12-28. Review status: criteria provided, single submitter. Criteria: Invitae Variant Classification Sherloc (09022015). Collection method: clinical testing. Allele origin: unknown.
Comment: For these reasons, this variant has been classified as Pathogenic. This variant disrupts a region of the SLC12A3 protein in which other variant(s) (p.Thr382Met) have been determined to be pathogenic (PMID: 18391953, 21753071, 23328711, 25838649, 26825084). This suggests that this is a clinically significant region of the protein, and that variants that disrupt it are likely to be disease-causing. This variant has not been reported in the literature in individuals affected with SLC12A3-related conditions. This variant is a gross deletion of the genomic region encompassing exon(s) 9-10 of the SLC12A3 gene. This variant would be expected to be in-frame, preserving the integrity of the reading frame.

Literature cited by the submitters: PubMed 18391953; PubMed 21753071; PubMed 23328711; PubMed 25838649; PubMed 26825084.

NC_000016.9:g.(?_56911969)_(56913159_?)del

Gene: SLC12A3 (solute carrier family 12 member 3; plus strand). Cytogenetic location: 16q13.
Variant type: Deletion.
Identifiers: ClinVar variation 3243577 (VCV003243577.1).